The following is an entry in ClinVar:

ClinVar aggregate classification (germline): Uncertain significance. Review status: criteria provided, multiple submitters, no conflicts (2 of 4 stars). 2 submissions from 2 submitters: Uncertain significance (2). Last evaluated 2025-11-19.

Conditions:
Inborn genetic diseases. Identifiers: MedGen C0950123, MeSH D030342.

Submissions (2):

Ambry Genetics
Classification: Uncertain significance for Inborn genetic diseases. Last evaluated: 2025-11-19. Review status: criteria provided, single submitter. Criteria: Ambry Variant Classification Scheme 2023. Collection method: clinical testing. Allele origin: germline.

Mayo Clinic Laboratories, Mayo Clinic
Classification: Uncertain significance. Last evaluated: 2024-03-05. Review status: criteria provided, single submitter. Criteria: ACMG Guidelines, 2015. Collection method: clinical testing. Allele origin: germline. Observed: 2 variant alleles.
Comment: BP4

NM_002250.3(KCNN4):c.707A>G (p.His236Arg)

Gene: KCNN4 (potassium calcium-activated channel subfamily N member 4; minus strand). Cytogenetic location: 19q13.31.
Variant type: single nucleotide variant.
Coding change: c.707A>G on transcript NM_002250.3 (MANE Select); coding-DNA position 707, A replaced by G.
Protein change: p.His236Arg; replaces histidine 236 with arginine.
Molecular consequence: missense variant.
Genome position (GRCh38, 1-based): chr19:43,772,112, T>C on the plus strand (A>G on the coding strand, the complement: KCNN4 is on the minus strand). VCF-style: chr19-43772112-T-C. GRCh37 (hg19) VCF-style: chr19-44276264-T-C.
Other names: p.His236Arg; c.707A>G (NM_002250.2); short protein forms H236R.
Identifiers: ClinVar variation 3380622 (VCV003380622.2).